The following is an entry in ClinVar:

NM_006031.6(PCNT):c.3459C>T (p.Ser1153=)

Gene: PCNT (pericentrin; plus strand). Cytogenetic location: 21q22.3.
Variant type: single nucleotide variant.
Coding change: c.3459C>T on transcript NM_006031.6 (MANE Select); coding-DNA position 3459, C replaced by T.
Protein change: p.Ser1153=; no amino-acid change (serine 1153 retained).
Molecular consequence: synonymous variant.
Genome position (GRCh38, 1-based): chr21:46,385,978, C>T. VCF-style: chr21-46385978-C-T. GRCh37 (hg19) VCF-style: chr21-47805893-C-T.
Other names: c.3105C>T, p.Ser1035= (NM_001315529.2); c.3459C>T (NM_006031.5).
Identifiers: ClinVar variation 2972319 (VCV002972319.4), dbSNP rs149063008, ClinGen allele CA10079302.

ClinVar aggregate classification (germline): Likely benign. Review status: criteria provided, single submitter (1 of 4 stars). 2 submissions from 2 submitters: Likely benign (1). 1 of the submissions does not count toward it. Last evaluated 2024-02-16.

Conditions:
PCNT-related disorder. Also called: PCNT-related condition.

Allele frequency attached by ClinVar (database versions not stated): ExAC 0.00002; ESP Exome Variant Server 0.00008.
gnomAD v4.1: 74 of 1,613,986 alleles (0.0046%); highest among the groups gnomAD compares: Middle Eastern, 0.016%; no homozygotes.

Submissions (2):

Labcorp Genetics (formerly Invitae), Labcorp
Classification: Likely benign. Last evaluated: 2024-02-16. Review status: criteria provided, single submitter. Criteria: Invitae Variant Classification Sherloc (09022015). Collection method: clinical testing. Allele origin: germline.

PreventionGenetics, part of Exact Sciences
Classification: Likely benign for PCNT-related condition. Last evaluated: 2023-04-13. Review status: no assertion criteria provided. Collection method: clinical testing. Allele origin: germline. Not counted in ClinVar's aggregate classification.
Comment: This variant is classified as likely benign based on ACMG/AMP sequence variant interpretation guidelines (Richards et al. 2015 PMID: 25741868, with internal and published modifications).